The following is an entry in ClinVar:

ClinVar aggregate classification (germline): Uncertain significance. Review status: criteria provided, multiple submitters, no conflicts (2 of 4 stars). 2 submissions from 2 submitters: Uncertain significance (2). Last evaluated 2025-08-21.

Conditions:
Tumor predisposition syndrome 3 (TPDS3). Also called: Melanoma, cutaneous malignant, susceptibility to, 10; Glioma susceptibility 9; LONG TELOMERE SYNDROME, POT1-RELATED; POT1 Tumor Predisposition. Identifiers: Orphanet 618, MedGen C4014476, MONDO:0014368, OMIM 615848.
Hereditary cancer-predisposing syndrome. Also called: Neoplastic Syndromes, Hereditary; Hereditary Cancer Syndrome; Hereditary neoplastic syndrome; Tumor predisposition. Identifiers: Orphanet 140162, MedGen C0027672, MeSH D009386, MONDO:0015356.

Allele frequency attached by ClinVar (database versions not stated): gnomAD exomes below 0.00001; TOPMed below 0.00001; gnomAD 0.00001.
gnomAD v4.1: 2 of 1,610,636 alleles (0.00012%); highest among the groups gnomAD compares: Non-Finnish European, 0.00017%; no homozygotes.

Submissions (2):

Ambry Genetics
Classification: Uncertain significance for Hereditary cancer-predisposing syndrome. Last evaluated: 2025-08-21. Review status: criteria provided, single submitter. Criteria: Ambry Variant Classification Scheme 2023. Collection method: clinical testing. Allele origin: germline.
Comment: The p.C59G variant (also known as c.175T>G), located in coding exon 3 of the POT1 gene, results from a T to G substitution at nucleotide position 175. The cysteine at codon 59 is replaced by glycine, an amino acid with highly dissimilar properties. This variant was reported in individual(s) with a personal and/or family history of melanoma (Ambry internal data). This amino acid position is highly conserved in available vertebrate species. In addition, this alteration is predicted to be deleterious by in silico analysis. Based on the available evidence, the clinical significance of this variant remains unclear.

Labcorp Genetics (formerly Invitae), Labcorp
Classification: Uncertain significance for Tumor predisposition syndrome 3. Last evaluated: 2024-08-01. Review status: criteria provided, single submitter. Criteria: Invitae Variant Classification Sherloc (09022015). Collection method: clinical testing. Allele origin: germline.
Comment: This sequence change replaces cysteine, which is neutral and slightly polar, with glycine, which is neutral and non-polar, at codon 59 of the POT1 protein (p.Cys59Gly). This variant is not present in population databases (gnomAD no frequency). This variant has not been reported in the literature in individuals affected with POT1-related conditions. ClinVar contains an entry for this variant (Variation ID: 1034676). Advanced modeling of protein sequence and biophysical properties (such as structural, functional, and spatial information, amino acid conservation, physicochemical variation, residue mobility, and thermodynamic stability) performed at Invitae indicates that this missense variant is not expected to disrupt POT1 protein function with a negative predictive value of 80%. In summary, the available evidence is currently insufficient to determine the role of this variant in disease. Therefore, it has been classified as a Variant of Uncertain Significance.

NM_015450.3(POT1):c.175T>G (p.Cys59Gly)

Gene: POT1 (protection of telomeres 1; minus strand). Cytogenetic location: 7q31.33.
Variant type: single nucleotide variant.
Coding change: c.175T>G on transcript NM_015450.3 (MANE Select); coding-DNA position 175, T replaced by G.
Protein change: p.Cys59Gly; replaces cysteine 59 with glycine.
Molecular consequence: missense variant. On other transcripts: non-coding transcript variant (3), intron variant (1).
Genome position (GRCh38, 1-based): chr7:124,870,991, A>C on the plus strand (T>G on the coding strand, the complement: POT1 is on the minus strand). VCF-style: chr7-124870991-A-C. GRCh37 (hg19) VCF-style: chr7-124511045-A-C.
Other names: c.-138-7351T>G (NM_001042594.2); short protein forms C59G.
Identifiers: ClinVar variation 1034676 (VCV001034676.12), dbSNP rs1418472108, ClinGen allele CA369061563.
Genomic context (GRCh38, chr7:124,870,991, plus strand): 5'-CAATATCTCCATTTTTATAAATTATTGGAAGGGCTTCATAGTTTCCACTAAAGAGCAGGC[A>C]AGTTAGTTTTACATTTGTCTGGTCCACAATAGTTACAACTGAGCAATAATCTGGAAAACA-3'
Protein context (NP_056265.2, residues 49-69): IVDQTNVKLT[Cys59Gly]LLFSGNYEAL